The following is an entry in ClinVar:

NM_000038.6(APC):c.5652A>C (p.Ala1884=)

Gene: APC (APC regulator of Wnt signaling pathway; plus strand). Cytogenetic location: 5q22.2.
Variant type: single nucleotide variant.
Coding change: c.5652A>C on transcript NM_000038.6 (MANE Select); coding-DNA position 5652, A replaced by C.
Protein change: p.Ala1884=; no amino-acid change (alanine 1884 retained).
Molecular consequence: synonymous variant.
Genome position (GRCh38, 1-based): chr5:112,841,246, A>C. VCF-style: chr5-112841246-A-C. GRCh37 (hg19) VCF-style: chr5-112176943-A-C.
Other names: c.5652A>C, p.Ala1884= (NM_001127510.3, NM_001354895.2); c.5598A>C, p.Ala1866= (NM_001127511.3); c.5706A>C, p.Ala1902= (NM_001354896.2); c.5682A>C, p.Ala1894= (NM_001354897.2); c.5577A>C, p.Ala1859= (NM_001354898.2); c.5568A>C, p.Ala1856= (NM_001354899.2); c.5529A>C, p.Ala1843= (NM_001354900.2); c.5475A>C, p.Ala1825= (NM_001354901.2); and 5 more.
Identifiers: ClinVar variation 230238 (VCV000230238.4), dbSNP rs876658458, ClinGen allele CA10578408.

ClinVar aggregate classification (germline): Benign/Likely benign. Review status: criteria provided, multiple submitters, no conflicts (2 of 4 stars). 2 submissions from 2 submitters: Benign (1); Likely benign (1). Last evaluated 2024-04-02.

Conditions:
Hereditary cancer-predisposing syndrome. Also called: Hereditary neoplastic syndrome; Hereditary Cancer Syndrome; Neoplastic Syndromes, Hereditary; Tumor predisposition. Identifiers: Orphanet 140162, MedGen C0027672, MeSH D009386, MONDO:0015356.
Familial adenomatous polyposis 1 (FAP1). Also called: FAMILIAL ADENOMATOUS POLYPOSIS 1, ATTENUATED; POLYPOSIS, ADENOMATOUS INTESTINAL. Identifiers: MedGen C2713442, MONDO:0021056, OMIM 175100. Disease mechanism: loss of function.

Allele frequency attached by ClinVar (database versions not stated): gnomAD exomes below 0.00001.
gnomAD v4.1: 1 of 1,613,838 alleles (0.000062%); no homozygotes.

Submissions (2):

Myriad Genetics, Inc.
Classification: Benign for Familial adenomatous polyposis 1. Last evaluated: 2024-04-02. Review status: criteria provided, single submitter. Criteria: Myriad Autosomal Dominant, Autosomal Recessive and X-Linked Classification Criteria (2023). Collection method: clinical testing. Allele origin: unknown.
Comment: This variant is considered benign. This variant is a silent/synonymous amino acid change and it is not expected to impact splicing.

Ambry Genetics
Classification: Likely benign for Hereditary cancer-predisposing syndrome. Last evaluated: 2015-01-20. Review status: criteria provided, single submitter. Criteria: Ambry Autosomal Dominant and X-Linked criteria (10/2015). Collection method: clinical testing. Allele origin: germline. Observed: 1 variant allele.